The following is an entry in ClinVar:

NM_016373.4(WWOX):c.746G>T (p.Arg249Leu)

Gene: WWOX (WW domain containing oxidoreductase; plus strand). Cytogenetic location: 16q23.1.
Variant type: single nucleotide variant.
Coding change: c.746G>T on transcript NM_016373.4 (MANE Select); coding-DNA position 746, G replaced by T.
Protein change: p.Arg249Leu; replaces arginine 249 with leucine.
Molecular consequence: missense variant.
Genome position (GRCh38, 1-based): chr16:78,425,010, G>T. VCF-style: chr16-78425010-G-T. GRCh37 (hg19) VCF-style: chr16-78458907-G-T.
Other names: c.407G>T, p.Arg136Leu (NM_001291997.2); short protein forms R136L, R249L.
Identifiers: ClinVar variation 4755617 (VCV004755617.1).

ClinVar aggregate classification (germline): Uncertain significance (1 of 4 stars; one submission).

gnomAD v4.1: 2 of 1,613,912 alleles (0.00012%); highest among the groups gnomAD compares: African/African-American, 0.0013%; no homozygotes.

Submission:

GeneDx
Classification: Uncertain significance. Last evaluated: 2025-08-09. Review status: criteria provided, single submitter. Criteria: GeneDx Variant Classification Process June 2021. Collection method: clinical testing. Allele origin: germline. Affected: yes.
Comment: Not observed at significant frequency in large population cohorts (gnomAD); In silico analysis supports that this missense variant has a deleterious effect on protein structure/function; Has not been previously published as pathogenic or benign to our knowledge